The following is an entry in ClinVar:

NM_000256.3(MYBPC3):c.2302_2308+22del

Gene: MYBPC3 (myosin binding protein C3; minus strand). Cytogenetic location: 11p11.2.
Variant type: Deletion.
Coding change: c.2302_2308+22del on transcript NM_000256.3 (MANE Select); coding-DNA position 2302 through 22 bases into the intron after coding-DNA position 2308, 29 bases deleted (GTCATCGGTGAGGCCGGCCGGGGTCCAAG).
Molecular consequence: splice donor variant.
Genome position (GRCh38, 1-based): chr11:47,338,498-47,338,526, CTTGGACCCCGGCCGGCCTCACCGATGAC deleted on the plus strand (GTCATCGGTGAGGCCGGCCGGGGTCCAAG on the coding strand, the reverse complement: MYBPC3 is on the minus strand); deleting any 29 consecutive bases within chr11:47,338,498-47,338,530 gives the same sequence; the c. name uses the placement nearest the transcript's 3' end. VCF-style (leftmost placement, unchanged base first): chr11-47338497-GCTTGGACCCCGGCCGGCCTCACCGATGAC-G. GRCh37 (hg19) VCF-style: chr11-47360048-GCTTGGACCCCGGCCGGCCTCACCGATGAC-G.
Identifiers: ClinVar variation 2121766 (VCV002121766.4), dbSNP rs2495752024, ClinGen allele CA2580084155.
Genomic context (GRCh38, chr11:47,338,497, plus strand): 5'-CGAGTGGCTGAATGAGCGAACGGATGGGCCCTCCTTGGGGCTGCCCCTCTGTGTTCTCCA[GCTTGGACCCCGGCCGGCCTCACCGATGAC>G]CTTGACTGTGAGGTTGACCTGGTCCTCGCCCACAGGGTTCTTCACTGTGACCGTGTAGAC-3'

ClinVar aggregate classification (germline): Likely pathogenic (1 of 4 stars; one submission).

Conditions:
Hypertrophic cardiomyopathy. Also called: HYPERTROPHIC MYOCARDIOPATHY. Identifiers: Orphanet 217569, MedGen C0007194, MeSH D002312, MONDO:0005045, HP:0001639.

Submission:

Labcorp Genetics (formerly Invitae), Labcorp
Classification: Likely pathogenic for Hypertrophic cardiomyopathy. Last evaluated: 2022-09-03. Review status: criteria provided, single submitter. Criteria: Invitae Variant Classification Sherloc (09022015). Collection method: clinical testing. Allele origin: germline.
Comment: In summary, the currently available evidence indicates that the variant is pathogenic, but additional data are needed to prove that conclusively. Therefore, this variant has been classified as Likely Pathogenic. Algorithms developed to predict the effect of sequence changes on RNA splicing suggest that this variant may disrupt the consensus splice site. This variant has not been reported in the literature in individuals affected with MYBPC3-related conditions. This variant is not present in population databases (gnomAD no frequency). This variant results in the deletion of part of exon 23 (c.2302_2308+22del) of the MYBPC3 gene. It is expected to disrupt RNA splicing. Variants that disrupt the donor or acceptor splice site typically lead to a loss of protein function (PMID: 16199547), and loss-of-function variants in MYBPC3 are known to be pathogenic (PMID: 19574547).

Literature cited by the submitters: PubMed 16199547; PubMed 19574547.